The following is an entry in ClinVar:

ClinVar aggregate classification (germline): Likely benign. Review status: criteria provided, single submitter (1 of 4 stars). 2 submissions from 2 submitters: Likely benign (1). 1 of the submissions does not count toward it. Last evaluated 2024-11-27.

Conditions:
FCN2-related disorder. Also called: FCN2-related condition.

Allele frequency attached by ClinVar (database versions not stated): gnomAD exomes 0.11536; gnomAD 0.13539; ESP Exome Variant Server 0.13601; TOPMed 0.14052; 1000 Genomes Project 0.15575; 1000 Genomes Project 30x 0.15803.
gnomAD v4.1: 188,936 of 1,614,000 alleles (12%); highest among the groups gnomAD compares: African/African-American, 20%; 11,750 homozygotes.

Submissions (2):

Blueprint Genetics
Classification: Likely benign. Last evaluated: 2024-11-27. Review status: criteria provided, single submitter. Criteria: ACMG Guidelines, 2015. Collection method: clinical testing. Allele origin: germline.

PreventionGenetics, part of Exact Sciences
Classification: Benign for FCN2-related condition. Last evaluated: 2022-11-02. Review status: no assertion criteria provided. Collection method: clinical testing. Allele origin: germline. Not counted in ClinVar's aggregate classification.
Comment: This variant is classified as benign based on ACMG/AMP sequence variant interpretation guidelines (Richards et al. 2015 PMID: 25741868, with internal and published modifications).

NM_004108.3(FCN2):c.772G>T (p.Ala258Ser)

Gene: FCN2 (ficolin 2; plus strand). Cytogenetic location: 9q34.3.
Variant type: single nucleotide variant.
Coding change: c.772G>T on transcript NM_004108.3 (MANE Select); coding-DNA position 772, G replaced by T.
Protein change: p.Ala258Ser; replaces alanine 258 with serine.
Molecular consequence: missense variant.
Genome position (GRCh38, 1-based): chr9:134,887,245, G>T. VCF-style: chr9-134887245-G-T. GRCh37 (hg19) VCF-style: chr9-137779091-G-T.
Other names: c.658G>T, p.Ala220Ser (NM_015837.3); short protein forms A220S, A258S.
Identifiers: ClinVar variation 3059902 (VCV003059902.3), dbSNP rs7851696, ClinGen allele CA5321361.